The following is an entry in ClinVar:

NM_002180.3(IGHMBP2):c.1244T>A (p.Leu415Gln)

Gene: IGHMBP2 (immunoglobulin mu DNA binding protein 2; plus strand). Cytogenetic location: 11q13.3.
Variant type: single nucleotide variant.
Coding change: c.1244T>A on transcript NM_002180.3 (MANE Select); coding-DNA position 1244, T replaced by A.
Protein change: p.Leu415Gln; replaces leucine 415 with glutamine.
Molecular consequence: missense variant.
Genome position (GRCh38, 1-based): chr11:68,933,307, T>A. VCF-style: chr11-68933307-T-A. GRCh37 (hg19) VCF-style: chr11-68700775-T-A.
Other names: short protein forms L415Q.
Identifiers: ClinVar variation 2129713 (VCV002129713.4), dbSNP rs1859386941, ClinGen allele CA381648592.

ClinVar aggregate classification (germline): Uncertain significance (1 of 4 stars; one submission).

Conditions:
Charcot-Marie-Tooth disease axonal type 2S. Also called: CHARCOT-MARIE-TOOTH DISEASE, AXONAL, AUTOSOMAL RECESSIVE, TYPE 2S; CHARCOT-MARIE-TOOTH NEUROPATHY, TYPE 2S. Identifiers: Orphanet 443073, MedGen C4015349, MONDO:0014511, OMIM 616155.
Autosomal recessive distal spinal muscular atrophy 1. Also called: Spinal muscular atrophy with respiratory distress 1; SEVERE INFANTILE AXONAL NEUROPATHY WITH RESPIRATORY FAILURE; SPINAL MUSCULAR ATROPHY, DIAPHRAGMATIC; HMN VI; NEURONOPATHY, DISTAL HEREDITARY MOTOR, HARDING TYPE VI; NEUROPATHY, DISTAL HEREDITARY MOTOR, AUTOSOMAL RECESSIVE 1. Identifiers: Orphanet 98920, MedGen C1858517, MONDO:0011436, OMIM 604320.

Allele frequency attached by ClinVar (database versions not stated): gnomAD 0.00001.
gnomAD v4.1: 1 of 1,612,422 alleles (0.000062%); highest among the groups gnomAD compares: Non-Finnish European, 0.000085%; no homozygotes.

Submission:

Labcorp Genetics (formerly Invitae), Labcorp
Classification: Uncertain significance for Autosomal recessive distal spinal muscular atrophy 1; Charcot-Marie-Tooth disease axonal type 2S. Last evaluated: 2022-07-22. Review status: criteria provided, single submitter. Criteria: Invitae Variant Classification Sherloc (09022015). Collection method: clinical testing. Allele origin: germline.
Comment: This variant is not present in population databases (gnomAD no frequency). This sequence change replaces leucine, which is neutral and non-polar, with glutamine, which is neutral and polar, at codon 415 of the IGHMBP2 protein (p.Leu415Gln). This variant has not been reported in the literature in individuals affected with IGHMBP2-related conditions. In summary, the available evidence is currently insufficient to determine the role of this variant in disease. Therefore, it has been classified as a Variant of Uncertain Significance. Advanced modeling of protein sequence and biophysical properties (such as structural, functional, and spatial information, amino acid conservation, physicochemical variation, residue mobility, and thermodynamic stability) performed at Invitae indicates that this missense variant is not expected to disrupt IGHMBP2 protein function.